The following is an entry in ClinVar:

NM_020778.5(ALPK3):c.3599T>C (p.Leu1200Pro)

Gene: ALPK3 (alpha kinase 3; plus strand). Cytogenetic location: 15q25.3.
Variant type: single nucleotide variant.
Coding change: c.3599T>C on transcript NM_020778.5 (MANE Select); coding-DNA position 3599, T replaced by C.
Protein change: p.Leu1200Pro; replaces leucine 1200 with proline.
Molecular consequence: missense variant.
Genome position (GRCh38, 1-based): chr15:84,858,337, T>C. VCF-style: chr15-84858337-T-C. GRCh37 (hg19) VCF-style: chr15-85401568-T-C.
Other names: short protein forms L1200P.
Identifiers: ClinVar variation 4089116 (VCV004089116.1).
Genomic context (GRCh38, chr15:84,858,337, plus strand): 5'-CAACCACACCTGAAGAAAGGGAGAGCCCCACGGTTTCCCCCCGGGGGCCCAGGAAAAGCC[T>C]GGTGCCTGGGTCCCCAGGGACTCCAGGGCGGGAGAGACGCTCCCCTACGCAGGGCAGAAA-3'
Protein context (NP_065829.4, residues 1190-1210): TVSPRGPRKS[Leu1200Pro]VPGSPGTPGR

ClinVar aggregate classification (germline): Uncertain significance (1 of 4 stars; one submission).

Conditions:
Cardiovascular phenotype. Identifiers: MedGen CN230736.

gnomAD v4.1: 2 of 1,558,356 alleles (0.00013%); highest among the groups gnomAD compares: Non-Finnish European, 0.00017%; no homozygotes.

Submission:

Ambry Genetics
Classification: Uncertain significance for Cardiovascular phenotype. Last evaluated: 2025-08-12. Review status: criteria provided, single submitter. Criteria: Ambry Variant Classification Scheme 2023. Collection method: clinical testing. Allele origin: germline.
Comment: The p.L1402P variant (also known as c.4205T>C), located in coding exon 6 of the ALPK3 gene, results from a T to C substitution at nucleotide position 4205. The leucine at codon 1402 is replaced by proline, an amino acid with similar properties. This amino acid position is conserved. In addition, the in silico prediction for this alteration is inconclusive. Based on the available evidence, the clinical significance of this variant remains unclear.